The following is an entry in ClinVar:

ClinVar aggregate classification (germline): Uncertain significance (1 of 4 stars; one submission).

Submission:

Labcorp Genetics (formerly Invitae), Labcorp
Classification: Uncertain significance. Last evaluated: 2025-07-27. Review status: criteria provided, single submitter. Criteria: Invitae Variant Classification Sherloc (09022015). Collection method: clinical testing. Allele origin: germline.
Comment: This sequence change replaces glycine, which is neutral and non-polar, with arginine, which is basic and polar, at codon 86 of the CACNA2D4 protein (p.Gly86Arg). This variant is not present in population databases (gnomAD no frequency). This variant has not been reported in the literature in individuals affected with CACNA2D4-related conditions. ClinVar contains an entry for this variant (Variation ID: 3007179). An algorithm developed to predict the effect of missense changes on protein structure and function outputs the following: PolyPhen-2: "Benign". The arginine amino acid residue is found in multiple mammalian species, which suggests that this missense change does not adversely affect protein function. In summary, the available evidence is currently insufficient to determine the role of this variant in disease. Therefore, it has been classified as a Variant of Uncertain Significance.

NM_172364.5(CACNA2D4):c.256G>C (p.Gly86Arg)

Gene: CACNA2D4 (calcium voltage-gated channel auxiliary subunit alpha2delta 4; minus strand). Cytogenetic location: 12p13.33.
Variant type: single nucleotide variant.
Coding change: c.256G>C on transcript NM_172364.5 (MANE Select); coding-DNA position 256, G replaced by C.
Protein change: p.Gly86Arg; replaces glycine 86 with arginine.
Molecular consequence: missense variant.
Genome position (GRCh38, 1-based): chr12:1,914,907, C>G on the plus strand (G>C on the coding strand, the complement: CACNA2D4 is on the minus strand). VCF-style: chr12-1914907-C-G. GRCh37 (hg19) VCF-style: chr12-2024073-C-G.
Other names: short protein forms G86R.
Identifiers: ClinVar variation 3007179 (VCV003007179.3), dbSNP rs1866926776, ClinGen allele CA383365231.
Genomic context (GRCh38, chr12:1,914,907, plus strand): 5'-GACTGACCTTCTGCAGCAAGAGAGAGCCTGAGTATTTGGTCACAGTGTTATACAGGTCCC[C>G]GCCGAAGGTGTCAGCCCATAGCTTCACTCTGCCAGGCAATGAAAGGACACGCGTATACAC-3'
Protein context (NP_758952.4, residues 76-96): TVKLWADTFG[Gly86Arg]DLYNTVTKYS